The following is an entry in ClinVar:

ClinVar aggregate classification (germline): Uncertain significance (1 of 4 stars; one submission).

Allele frequency attached by ClinVar (database versions not stated): gnomAD 0.00001; gnomAD exomes 0.00001; TOPMed 0.00002.

Submission:

Labcorp Genetics (formerly Invitae), Labcorp
Classification: Uncertain significance. Last evaluated: 2022-04-10. Review status: criteria provided, single submitter. Criteria: Invitae Variant Classification Sherloc (09022015). Collection method: clinical testing. Allele origin: germline.
Comment: This sequence change replaces glycine, which is neutral and non-polar, with cysteine, which is neutral and slightly polar, at codon 241 of the TCF3 protein (p.Gly241Cys). The frequency data for this variant in the population databases is considered unreliable, as metrics indicate poor data quality at this position in the gnomAD database. This variant has not been reported in the literature in individuals affected with TCF3-related conditions. Algorithms developed to predict the effect of missense changes on protein structure and function are either unavailable or do not agree on the potential impact of this missense change (SIFT: "Not Available"; PolyPhen-2: "Probably Damaging"; Align-GVGD: "Not Available"). In summary, the available evidence is currently insufficient to determine the role of this variant in disease. Therefore, it has been classified as a Variant of Uncertain Significance.

NM_003200.5(TCF3):c.721G>T (p.Gly241Cys)

Gene: TCF3 (transcription factor 3; minus strand). Cytogenetic location: 19p13.3.
Variant type: single nucleotide variant.
Coding change: c.721G>T on transcript NM_003200.5 (MANE Select); coding-DNA position 721, G replaced by T.
Protein change: p.Gly241Cys; replaces glycine 241 with cysteine.
Molecular consequence: missense variant.
Genome position (GRCh38, 1-based): chr19:1,622,155, C>A on the plus strand (G>T on the coding strand, the complement: TCF3 is on the minus strand). VCF-style: chr19-1622155-C-A. GRCh37 (hg19) VCF-style: chr19-1622154-C-A.
Other names: c.721G>T, p.Gly241Cys (NM_001136139.4, NM_001351778.2, NM_001351779.2); short protein forms G241C.
Identifiers: ClinVar variation 1987975 (VCV001987975.4), dbSNP rs990854940, ClinGen allele CA304103614.